The following is an entry in ClinVar:

NM_201548.5(CERKL):c.1268+2T>A

Gene: CERKL (CERK like autophagy regulator; minus strand). Cytogenetic location: 2q31.3.
Variant type: single nucleotide variant.
Coding change: c.1268+2T>A on transcript NM_201548.5 (MANE Select); the canonical splice donor site of the intron after coding-DNA position 1268, T replaced by A.
Molecular consequence: splice donor variant.
Genome position (GRCh38, 1-based): chr2:181,547,616, A>T on the plus strand (T>A on the coding strand, the complement: CERKL is on the minus strand). VCF-style: chr2-181547616-A-T. GRCh37 (hg19) VCF-style: chr2-182412343-A-T.
Other names: c.929+2T>A (NM_001030312.3); c.1214+2T>A (NM_001160277.2); c.1061+2T>A (NM_001030313.3); c.1346+2T>A (NM_001030311.3).
Identifiers: ClinVar variation 2817326 (VCV002817326.3), dbSNP rs1574435453, ClinGen allele CA349735030.
Genomic context (GRCh38, chr2:181,547,616, plus strand): 5'-ACCCTGGAAAAAAAATGGTCTATAAGAAATGTATCAACAATTCAATAAAAATGCTTACTA[A>T]CCTGGTATTAGGTGCCAAGCCTCTAGGTGCCACTGAACACAGGCAAGGAATTGCCATAAT-3'

ClinVar aggregate classification (germline): Likely pathogenic (1 of 4 stars; one submission).

Submission:

Labcorp Genetics (formerly Invitae), Labcorp
Classification: Likely pathogenic. Last evaluated: 2023-01-12. Review status: criteria provided, single submitter. Criteria: Invitae Variant Classification Sherloc (09022015). Collection method: clinical testing. Allele origin: germline.
Comment: Algorithms developed to predict the effect of sequence changes on RNA splicing suggest that this variant may disrupt the consensus splice site. In summary, the currently available evidence indicates that the variant is pathogenic, but additional data are needed to prove that conclusively. Therefore, this variant has been classified as Likely Pathogenic. This sequence change affects a donor splice site in intron 11 of the CERKL gene. It is expected to disrupt RNA splicing. Variants that disrupt the donor or acceptor splice site typically lead to a loss of protein function (PMID: 16199547), and loss-of-function variants in CERKL are known to be pathogenic (PMID: 14681825, 23591405, 24043777). This variant is not present in population databases (gnomAD no frequency). This variant has not been reported in the literature in individuals affected with CERKL-related conditions.

Literature cited by the submitters: PubMed 16199547; PubMed 14681825; PubMed 23591405; PubMed 24043777.